The following is an entry in ClinVar:

NM_000804.4(FOLR3):c.381G>A (p.Glu127=)

Gene: FOLR3 (folate receptor gamma; plus strand). Cytogenetic location: 11q13.4.
Variant type: single nucleotide variant.
Coding change: c.381G>A on transcript NM_000804.4 (MANE Select); coding-DNA position 381, G replaced by A.
Protein change: p.Glu127=; no amino-acid change (glutamic acid 127 retained).
Molecular consequence: synonymous variant. On other transcripts: non-coding transcript variant (1).
Genome position (GRCh38, 1-based): chr11:72,139,370, G>A. VCF-style: chr11-72139370-G-A. GRCh37 (hg19) VCF-style: chr11-71850414-G-A.
Other names: c.108G>A, p.Glu36= (NM_001318045.2); c.507G>A, p.Glu169= (NM_001412270.1).
Identifiers: ClinVar variation 3053893 (VCV003053893.1), dbSNP rs2539087732, ClinGen allele CA475865374.

ClinVar aggregate classification (germline): Likely benign (1 of 4 stars; one submission).

Conditions:
FOLR3-related disorder. Also called: FOLR3-related condition.

Submission:

PreventionGenetics, part of Exact Sciences
Classification: Likely benign for FOLR3-related condition. Last evaluated: 2020-03-30. Review status: criteria provided, single submitter. Criteria: ACMG Guidelines, 2015. Collection method: clinical testing. Allele origin: germline.
Comment: This variant is classified as likely benign based on ACMG/AMP sequence variant interpretation guidelines (Richards et al. 2015 PMID: 25741868, with internal and published modifications).